The following is an entry in ClinVar:

NM_020988.3(GNAO1):c.117C>T (p.Leu39=)

Gene: GNAO1 (G protein subunit alpha o1; plus strand). Cytogenetic location: 16q13.
Variant type: single nucleotide variant.
Coding change: c.117C>T on transcript NM_020988.3 (MANE Select); coding-DNA position 117, C replaced by T.
Protein change: p.Leu39=; no amino-acid change (leucine 39 retained).
Molecular consequence: synonymous variant.
Genome position (GRCh38, 1-based): chr16:56,192,352, C>T. VCF-style: chr16-56192352-C-T. GRCh37 (hg19) VCF-style: chr16-56226264-C-T.
Other names: c.117C>T, p.Leu39= (NM_138736.3).
Identifiers: ClinVar variation 1001265 (VCV001001265.9), dbSNP rs747565910, ClinGen allele CA495765748.

ClinVar aggregate classification (germline): Uncertain significance (1 of 4 stars; one submission).

Conditions:
Early-infantile DEE. Also called: Early infantile epileptic encephalopathy with suppression bursts; Ohtahara syndrome; Early infantile epileptic encephalopathy. Identifiers: Orphanet 1934, MedGen C0393706, MONDO:0800491.

gnomAD v4.1: 4 of 1,545,572 alleles (0.00026%); highest among the groups gnomAD compares: East Asian, 0.0023%; no homozygotes.

Submission:

Labcorp Genetics (formerly Invitae), Labcorp
Classification: Uncertain significance for Early-infantile DEE. Last evaluated: 2020-03-04. Review status: criteria provided, single submitter. Criteria: Invitae Variant Classification Sherloc (09022015). Collection method: clinical testing. Allele origin: germline.
Comment: In summary, the available evidence is currently insufficient to determine the role of this variant in disease. Therefore, it has been classified as a Variant of Uncertain Significance. Algorithms developed to predict the effect of sequence changes on RNA splicing suggest that this variant is not likely to affect RNA splicing, but this prediction has not been confirmed by published transcriptional studies. This variant has not been reported in the literature in individuals with GNAO1-related conditions. This variant is not present in population databases (ExAC no frequency). This sequence change affects codon 39 of the GNAO1 mRNA. It is a 'silent' change, meaning that it does not change the encoded amino acid sequence of the GNAO1 protein.